The following is an entry in ClinVar:

NM_001366385.1(CARD14):c.2850G>A (p.Leu950=)

Genes: CARD14 (caspase recruitment domain family member 14; plus strand), SGSH (N-sulfoglucosamine sulfohydrolase; minus strand). Cytogenetic location: 17q25.3.
Variant type: single nucleotide variant.
Coding change: c.2850G>A on transcript NM_001366385.1 (MANE Select); coding-DNA position 2850, G replaced by A.
Protein change: p.Leu950=; no amino-acid change (leucine 950 retained).
Molecular consequence: synonymous variant. On other transcripts: non-coding transcript variant (1).
Genome position (GRCh38, 1-based): chr17:80,208,180, G>A. VCF-style: chr17-80208180-G-A. GRCh37 (hg19) VCF-style: chr17-78181979-G-A.
Other names: c.2850G>A, p.Leu950= (NM_024110.4).
Identifiers: ClinVar variation 3389817 (VCV003389817.14).

ClinVar aggregate classification (germline): Likely benign (1 of 4 stars; one submission).

gnomAD v4.1: 1 of 1,550,352 alleles (0.000065%); highest among the groups gnomAD compares: East Asian, 0.0024%; no homozygotes.

Submission:

CeGaT Center for Human Genetics Tuebingen
Classification: Likely benign. Last evaluated: 2024-10-01. Review status: criteria provided, single submitter. Criteria: CeGaT Center For Human Genetics Tuebingen Variant Classification Criteria Version 2. Collection method: clinical testing. Allele origin: germline. Affected: yes. Observed: 1 variant allele.
Comment: CARD14: BP4, BP7